The following is an entry in ClinVar:

ClinVar aggregate classification (germline): Uncertain significance. Review status: criteria provided, multiple submitters, no conflicts (2 of 4 stars). 4 submissions from 4 submitters: Uncertain significance (4). Last evaluated 2026-02-28.

Conditions:
Thyrotoxic periodic paralysis, susceptibility to, 1 (TTPP1). Identifiers: Orphanet 79102, MedGen C2749982, MONDO:0008570, OMIM 188580.
Congenital myopathy 18. Also called: DIHYDROPYRIDINE RECEPTOR CONGENITAL MYOPATHY; DHPR CONGENITAL MYOPATHY; Myopathy, congenital, due to dihydropyridine receptor defect. Identifiers: MedGen C5830283, MONDO:0859514, OMIM 620246.
Malignant hyperthermia, susceptibility to, 5 (MHS5). Also called: CACNA1S-Related Malignant Hyperthermia Susceptibility. Identifiers: Orphanet 423, MedGen C1866077, MONDO:0011163, OMIM 601887.
Hypokalemic periodic paralysis, type 1. Also called: Hypokalemic Periodic Paralysis Type 1 (AD); HypoPP. Identifiers: Orphanet 681, MedGen C3714580, MONDO:0042979, OMIM 170400.

Allele frequency attached by ClinVar (database versions not stated): gnomAD 0.00002; TOPMed 0.00002.
gnomAD v4.1: 5 of 1,614,024 alleles (0.00031%); highest among the groups gnomAD compares: African/African-American, 0.0013%; no homozygotes.

Submissions (4):

GeneDx
Classification: Uncertain significance. Last evaluated: 2026-02-28. Review status: criteria provided, single submitter. Criteria: GeneDx Variant Classification Process June 2021. Collection method: clinical testing. Allele origin: germline.
Comment: Not observed at significant frequency in large population cohorts (gnomAD); In silico analysis supports that this missense variant has a deleterious effect on protein structure/function; Has not been previously published as pathogenic or benign to our knowledge

Color Diagnostics, LLC DBA Color Health
Classification: Uncertain significance for Malignant hyperthermia, susceptibility to, 5. Last evaluated: 2025-11-03. Review status: criteria provided, single submitter. Criteria: ACMG Guidelines, 2015. Collection method: clinical testing. Allele origin: germline.
Comment: This missense variant replaces threonine with asparagine at codon 1501 of the CACNA1S protein. Computational prediction suggests that this variant may not impact protein structure and function. To our knowledge, functional studies have not been reported for this variant. This variant has not been reported in individuals affected with CACNA1S-related disorders in the literature. This variant has been identified in 1/31412 chromosomes in the general population by the Genome Aggregation Database (gnomAD). The available evidence is insufficient to determine the role of this variant in disease conclusively. Therefore, this variant is classified as a Variant of Uncertain Significance.

Labcorp Genetics (formerly Invitae), Labcorp
Classification: Uncertain significance for Hypokalemic periodic paralysis, type 1; Malignant hyperthermia, susceptibility to, 5. Last evaluated: 2025-07-09. Review status: criteria provided, single submitter. Criteria: Invitae Variant Classification Sherloc (09022015). Collection method: clinical testing. Allele origin: germline.
Comment: This sequence change replaces threonine, which is neutral and polar, with asparagine, which is neutral and polar, at codon 1501 of the CACNA1S protein (p.Thr1501Asn). This variant is present in population databases (no rsID available, gnomAD 0.007%). This variant has not been reported in the literature in individuals affected with CACNA1S-related conditions. ClinVar contains an entry for this variant (Variation ID: 1512842). Invitae Evidence Modeling of protein sequence and biophysical properties (such as structural, functional, and spatial information, amino acid conservation, physicochemical variation, residue mobility, and thermodynamic stability) has been performed for this missense variant. However, the output from this modeling did not meet the statistical confidence thresholds required to predict the impact of this variant on CACNA1S protein function. In summary, the available evidence is currently insufficient to determine the role of this variant in disease. Therefore, it has been classified as a Variant of Uncertain Significance.

Fulgent Genetics
Classification: Uncertain significance for Hypokalemic periodic paralysis, type 1; Thyrotoxic periodic paralysis, susceptibility to, 1; Malignant hyperthermia, susceptibility to, 5; Congenital myopathy 18. Last evaluated: 2024-04-10. Review status: criteria provided, single submitter. Criteria: ACMG Guidelines, 2015. Collection method: clinical testing. Allele origin: germline.

NM_000069.3(CACNA1S):c.4502C>A (p.Thr1501Asn)

Gene: CACNA1S (calcium voltage-gated channel subunit alpha1 S; minus strand). Cytogenetic location: 1q32.1.
Variant type: single nucleotide variant.
Coding change: c.4502C>A on transcript NM_000069.3 (MANE Select); coding-DNA position 4502, C replaced by A.
Protein change: p.Thr1501Asn; replaces threonine 1501 with asparagine.
Molecular consequence: missense variant.
Genome position (GRCh38, 1-based): chr1:201,047,566, G>T on the plus strand (C>A on the coding strand, the complement: CACNA1S is on the minus strand). VCF-style: chr1-201047566-G-T. GRCh37 (hg19) VCF-style: chr1-201016694-G-T.
Other names: c.4502C>A (NM_000069.2); short protein forms T1501N.
Identifiers: ClinVar variation 1512842 (VCV001512842.11), dbSNP rs928580339, ClinGen allele CA35996622.
Genomic context (GRCh38, chr1:201,047,566, plus strand): 5'-CCCCCAAAGTAGCACCTACCTCCTATTGGAGGGATGACCTGGTCCAAGAGCTTCATGCTG[G>T]TTCTCTTCCAGATCTTCTTGATGATGGCCCTCAGCTCCTCGTTGGCCTGCTCAAAGTTAC-3'
Protein context (NP_000060.2, residues 1491-1511): RAIIKKIWKR[Thr1501Asn]SMKLLDQVIP